The following is an entry in ClinVar:

NM_015192.4(PLCB1):c.1930G>A (p.Gly644Arg)

Gene: PLCB1 (phospholipase C beta 1; plus strand). Cytogenetic location: 20p12.3.
Variant type: single nucleotide variant.
Coding change: c.1930G>A on transcript NM_015192.4 (MANE Select); coding-DNA position 1930, G replaced by A.
Protein change: p.Gly644Arg; replaces glycine 644 with arginine.
Molecular consequence: missense variant.
Genome position (GRCh38, 1-based): chr20:8,733,279, G>A. VCF-style: chr20-8733279-G-A. GRCh37 (hg19) VCF-style: chr20-8713926-G-A.
Other names: c.1930G>A, p.Gly644Arg (NM_182734.3); short protein forms G644R.
Identifiers: ClinVar variation 1018932 (VCV001018932.9), dbSNP rs781536705, ClinGen allele CA9760114.

ClinVar aggregate classification (germline): Uncertain significance (1 of 4 stars; one submission).

Conditions:
Developmental and epileptic encephalopathy, 12 (DEE12). Identifiers: MedGen C3150988, MONDO:0013389, OMIM 613722.

Allele frequency attached by ClinVar (database versions not stated): TOPMed below 0.00001; ExAC 0.00001; gnomAD 0.00001; gnomAD exomes 0.00001.
gnomAD v4.1: 9 of 1,613,760 alleles (0.00056%); highest among the groups gnomAD compares: East Asian, 0.0045%; no homozygotes.

Submission:

Labcorp Genetics (formerly Invitae), Labcorp
Classification: Uncertain significance for Developmental and epileptic encephalopathy, 12. Last evaluated: 2022-08-16. Review status: criteria provided, single submitter. Criteria: Invitae Variant Classification Sherloc (09022015). Collection method: clinical testing. Allele origin: germline.
Comment: In summary, the available evidence is currently insufficient to determine the role of this variant in disease. Therefore, it has been classified as a Variant of Uncertain Significance. Algorithms developed to predict the effect of sequence changes on RNA splicing suggest that this variant may create or strengthen a splice site. Algorithms developed to predict the effect of missense changes on protein structure and function are either unavailable or do not agree on the potential impact of this missense change (SIFT: "Tolerated"; PolyPhen-2: "Probably Damaging"; Align-GVGD: "Class C0"). ClinVar contains an entry for this variant (Variation ID: 1018932). This variant has not been reported in the literature in individuals affected with PLCB1-related conditions. This variant is present in population databases (rs781536705, gnomAD 0.01%). This sequence change replaces glycine, which is neutral and non-polar, with arginine, which is basic and polar, at codon 644 of the PLCB1 protein (p.Gly644Arg).